The following is an entry in ClinVar:

ClinVar aggregate classification (germline): Uncertain significance (1 of 4 stars; one submission).

gnomAD v4.1: 2 of 1,595,408 alleles (0.00013%); highest among the groups gnomAD compares: Non-Finnish European, 0.00017%; no homozygotes.

Submission:

GeneDx
Classification: Uncertain significance. Last evaluated: 2023-12-09. Review status: criteria provided, single submitter. Criteria: GeneDx Variant Classification Process June 2021. Collection method: clinical testing. Allele origin: germline. Affected: yes.
Comment: Not observed at significant frequency in large population cohorts (gnomAD); In silico analysis supports that this missense variant does not alter protein structure/function; Has not been previously published as pathogenic or benign to our knowledge

NM_021096.4(CACNA1I):c.1333A>G (p.Ile445Val)

Gene: CACNA1I (calcium voltage-gated channel subunit alpha1 I; plus strand). Cytogenetic location: 22q13.1.
Variant type: single nucleotide variant.
Coding change: c.1333A>G on transcript NM_021096.4 (MANE Select); coding-DNA position 1333, A replaced by G.
Protein change: p.Ile445Val; replaces isoleucine 445 with valine.
Molecular consequence: missense variant.
Genome position (GRCh38, 1-based): chr22:39,646,752, A>G. VCF-style: chr22-39646752-A-G. GRCh37 (hg19) VCF-style: chr22-40042757-A-G.
Other names: c.1333A>G, p.Ile445Val (NM_001003406.2); short protein forms I445V.
Identifiers: ClinVar variation 3252801 (VCV003252801.1), dbSNP rs1428612116.
Genomic context (GRCh38, chr22:39,646,752, plus strand): 5'-GTGGCCAGCTACGCCGAGCCTGGCGACTGCTACGAGGAGATCTTCCAGTATGTCTGCCAC[A>G]TCCTGCGCAAGGCCAAGCGCCGCGCCCTGGGCCTCTACCAGGCCCTGCAGAGCCGGCGCC-3'
Protein context (NP_066919.2, residues 435-455): YEEIFQYVCH[Ile445Val]LRKAKRRALG